The following is an entry in ClinVar:

NM_198578.4(LRRK2):c.6278C>G (p.Pro2093Arg)

Gene: LRRK2 (leucine rich repeat kinase 2; plus strand). Cytogenetic location: 12q12.
Variant type: single nucleotide variant.
Coding change: c.6278C>G on transcript NM_198578.4 (MANE Select); coding-DNA position 6278, C replaced by G.
Protein change: p.Pro2093Arg; replaces proline 2093 with arginine.
Molecular consequence: missense variant.
Genome position (GRCh38, 1-based): chr12:40,346,921, C>G. VCF-style: chr12-40346921-C-G. GRCh37 (hg19) VCF-style: chr12-40740723-C-G.
Other names: short protein forms P2093R.
Identifiers: ClinVar variation 1752567 (VCV001752567.3), dbSNP rs1946204697, ClinGen allele CA384405776.

ClinVar aggregate classification (germline): Uncertain significance (1 of 4 stars; one submission).

Conditions:
Inborn genetic diseases. Identifiers: MedGen C0950123, MeSH D030342.

Allele frequency attached by ClinVar (database versions not stated): gnomAD exomes below 0.00001.
gnomAD v4.1: 3 of 1,609,338 alleles (0.00019%); highest among the groups gnomAD compares: Non-Finnish European, 0.00025%; no homozygotes.

Submission:

Ambry Genetics
Classification: Uncertain significance for Inborn genetic diseases. Last evaluated: 2024-09-26. Review status: criteria provided, single submitter. Criteria: Ambry Variant Classification Scheme 2023. Collection method: clinical testing. Allele origin: germline.
Comment: The p.P2093R variant (also known as c.6278C>G), located in coding exon 42 of the LRRK2 gene, results from a C to G substitution at nucleotide position 6278. The proline at codon 2093 is replaced by arginine, an amino acid with dissimilar properties. This amino acid position is conserved. In addition, this alteration is predicted to be deleterious by in silico analysis. Since supporting evidence is limited at this time, the clinical significance of this alteration remains unclear.